The following is an entry in ClinVar:

NM_007171.4(POMT1):c.429_430del

Gene: POMT1 (protein O-mannosyltransferase 1; plus strand). Cytogenetic location: 9q34.13.
Variant type: Microsatellite.
Coding change: c.429_430del on transcript NM_007171.4; coding-DNA positions 429 to 430, 2 bases deleted (GA; older notation c.429_430delGA).
Molecular consequence: splice acceptor variant.
Genome position (GRCh38, 1-based): chr9:131,508,912-131,508,913, GA deleted; deleting any 2 consecutive bases within chr9:131,508,909-131,508,913 gives the same sequence; the c. name uses the placement nearest the transcript's 3' end. VCF-style (leftmost placement, unchanged base first): chr9-131508908-CAG-C. GRCh37 (hg19) VCF-style: chr9-134384295-CAG-C.
Identifiers: ClinVar variation 2636357 (VCV002636357.3), dbSNP rs746161025, ClinGen allele CA5293280.

ClinVar aggregate classification (germline): Pathogenic/Likely pathogenic. Review status: criteria provided, multiple submitters, no conflicts (2 of 4 stars). 3 submissions from 3 submitters: Pathogenic (2); Likely pathogenic (1). Last evaluated 2025-03-13.

Conditions:
Muscular dystrophy-dystroglycanopathy (congenital with brain and eye anomalies), type A1 (MDDGA1). Also called: COD-MD SYNDROME; Muscular dystrophy-dystroglycanopathy (congenital with brain and eye anomalies), type A, 1; WALKER-WARBURG SYNDROME OR MUSCLE-EYE-BRAIN DISEASE, POMT1-RELATED; Hydrocephalus, agyria and retinal dysplasia; Hard +/- E syndrome; Warburg syndrome. Identifiers: Orphanet 588, Orphanet 899, MedGen C4284790, MONDO:0009364, OMIM 236670.
Walker-Warburg congenital muscular dystrophy. Also called: Muscular dystrophy-dystroglycanopathy, type A; Walker-Warburg syndrome. Identifiers: Orphanet 899, MedGen C0265221, MONDO:0000171.
Muscular dystrophy-dystroglycanopathy (congenital with impaired intellectual development), type B, 1. Also called: Muscular dystrophy-dystroglycanopathy (congenital with intellectual disability), type B1; MUSCULAR DYSTROPHY, CONGENITAL, POMT1-RELATED. Identifiers: MedGen C5436962, MONDO:0013159, OMIM 613155.
Autosomal recessive limb-girdle muscular dystrophy type 2K. Also called: MUSCULAR DYSTROPHY-DYSTROGLYCANOPATHY (LIMB-GIRDLE), TYPE C, 1; MUSCULAR DYSTROPHY, LIMB-GIRDLE, TYPE 2K. Identifiers: Orphanet 86812, MedGen C1836373, MONDO:0012248, OMIM 609308.
POMT1-related disorder. Also called: POMT1-related disorders; POMT1-related condition.

Submissions (3):

Labcorp Genetics (formerly Invitae), Labcorp
Classification: Pathogenic for Muscular dystrophy-dystroglycanopathy (congenital with impaired intellectual development), type B, 1; Walker-Warburg congenital muscular dystrophy; Autosomal recessive limb-girdle muscular dystrophy type 2K. Last evaluated: 2025-03-13. Review status: criteria provided, single submitter. Criteria: Invitae Variant Classification Sherloc (09022015). Collection method: clinical testing. Allele origin: germline.
Comment: This sequence change creates a premature translational stop signal (p.Asn144Cysfs*93) in the POMT1 gene. It is expected to result in an absent or disrupted protein product. Loss-of-function variants in POMT1 are known to be pathogenic (PMID: 12369018, 15637732, 16575835). This variant is present in population databases (rs746161025, gnomAD 0.003%). This premature translational stop signal has been observed in individual(s) with congenital muscular dystrophy (PMID: 33200426). Algorithms developed to predict the effect of sequence changes on RNA splicing suggest that this variant may disrupt the consensus splice site. For these reasons, this variant has been classified as Pathogenic.

Baylor Genetics
Classification: Pathogenic for Muscular dystrophy-dystroglycanopathy (congenital with brain and eye anomalies), type A1. Last evaluated: 2023-07-14. Review status: criteria provided, single submitter. Criteria: ACMG Guidelines, 2015. Collection method: clinical testing. Allele origin: unknown.

PreventionGenetics, part of Exact Sciences
Classification: Likely pathogenic for POMT1-related condition. Last evaluated: 2023-04-18. Review status: criteria provided, single submitter. Criteria: ACMG Guidelines, 2015. Collection method: clinical testing. Allele origin: germline.
Comment: The POMT1 c.429_430delGA variant is predicted to result in a frameshift and premature protein termination (p.Asn144Cysfs*93). This variant was reported in the compound heterozygous state in an individual with congenital muscular dystrophy and intellectual disability (referred to as c.428-2_428-1delAG in Song et al 2021. PubMed ID: 33200426). This variant is reported in 0.0029% of alleles in individuals of Latino descent in gnomAD. Frameshift variants in POMT1 are expected to be pathogenic. This variant is interpreted as likely pathogenic.

Literature cited by the submitters: PubMed 12369018 (cited by Labcorp Genetics (formerly Invitae), Labcorp); PubMed 15637732 (cited by Labcorp Genetics (formerly Invitae), Labcorp); PubMed 16575835 (cited by Labcorp Genetics (formerly Invitae), Labcorp); PubMed 33200426 (cited by Labcorp Genetics (formerly Invitae), Labcorp).